The following is an entry in ClinVar:

ClinVar aggregate classification (germline): Uncertain significance. Review status: criteria provided, multiple submitters, no conflicts (2 of 4 stars). 2 submissions from 2 submitters: Uncertain significance (2). Last evaluated 2024-10-01.

Conditions:
Severe combined immunodeficiency, autosomal recessive, T cell-negative, B cell-negative, NK cell-negative, due to adenosine deaminase deficiency. Also called: ADA-SCID; SCID DUE TO ADA DEFICIENCY; SCID DUE TO ADA DEFICIENCY, EARLY-ONSET; ADA deficiency; Adenosine deaminase deficient severe combined immunodeficiency; Severe combined immunodeficiency due to ADA deficiency. Identifiers: Orphanet 277, MedGen C0392607, MONDO:0007064, OMIM 102700.

Allele frequency attached by ClinVar (database versions not stated): gnomAD 0.00001; TOPMed 0.00001; ExAC 0.00002; gnomAD exomes 0.00002.
gnomAD v4.1: 31 of 1,614,080 alleles (0.0019%); highest among the groups gnomAD compares: South Asian, 0.0077%; no homozygotes.

Submissions (2):

CeGaT Center for Human Genetics Tuebingen
Classification: Uncertain significance. Last evaluated: 2024-10-01. Review status: criteria provided, single submitter. Criteria: CeGaT Center For Human Genetics Tuebingen Variant Classification Criteria Version 2. Collection method: clinical testing. Allele origin: germline. Affected: yes. Observed: 1 variant allele.
Comment: ADA: PM2

Labcorp Genetics (formerly Invitae), Labcorp
Classification: Uncertain significance for Severe combined immunodeficiency, autosomal recessive, T cell-negative, B cell-negative, NK cell-negative, due to adenosine deaminase deficiency. Last evaluated: 2024-09-12. Review status: criteria provided, single submitter. Criteria: Invitae Variant Classification Sherloc (09022015). Collection method: clinical testing. Allele origin: germline.
Comment: This sequence change affects codon 32 of the ADA mRNA. It is a 'silent' change, meaning that it does not change the encoded amino acid sequence of the ADA protein. It affects a nucleotide within the consensus splice site. This variant is present in population databases (rs745535082, gnomAD 0.004%). This variant has not been reported in the literature in individuals affected with ADA-related conditions. ClinVar contains an entry for this variant (Variation ID: 2198099). Algorithms developed to predict the effect of sequence changes on RNA splicing suggest that this variant may create or strengthen a splice site. In summary, the available evidence is currently insufficient to determine the role of this variant in disease. Therefore, it has been classified as a Variant of Uncertain Significance.

NM_000022.4(ADA):c.96G>A (p.Arg32=)

Genes: ADA (adenosine deaminase; minus strand), LOC107303343 (adenosine deaminase intronic regulatory elements; plus strand). Cytogenetic location: 20q13.12.
Variant type: single nucleotide variant.
Coding change: c.96G>A on transcript NM_000022.4 (MANE Select); coding-DNA position 96, G replaced by A.
Protein change: p.Arg32=; no amino-acid change (arginine 32 retained).
Molecular consequence: synonymous variant. On other transcripts: 5 prime UTR variant (1), non-coding transcript variant (1).
Genome position (GRCh38, 1-based): chr20:44,629,169, C>T on the plus strand (G>A on the coding strand, the complement: ADA is on the minus strand). VCF-style: chr20-44629169-C-T. GRCh37 (hg19) VCF-style: chr20-43257810-C-T.
Other names: c.-194G>A (NM_001322050.2); c.96G>A, p.Arg32= (NM_001322051.2).
Identifiers: ClinVar variation 2198099 (VCV002198099.16), dbSNP rs745535082, ClinGen allele CA9871760.